The following is an entry in ClinVar:

ClinVar aggregate classification (germline): Conflicting classifications of pathogenicity. Review status: criteria provided, conflicting classifications (1 of 4 stars). 5 submissions from 5 submitters: Uncertain significance (2); Likely benign (3). Last evaluated 2026-04-09.

Conditions:
FGFR3-related disorder. Also called: FGFR3-related disorders.

Allele frequency attached by ClinVar (database versions not stated): gnomAD 0.00001; gnomAD exomes 0.00001; TOPMed 0.00002; ExAC 0.00003.
gnomAD v4.1: 14 of 1,612,728 alleles (0.00087%); highest among the groups gnomAD compares: Middle Eastern, 0.1%; no homozygotes.

Submissions (5):

PreventionGenetics, part of Exact Sciences
Classification: Likely benign for FGFR3-related condition. Last evaluated: 2026-04-09. Review status: criteria provided, single submitter. Criteria: ACMG Guidelines, 2015. Collection method: clinical testing. Allele origin: germline.
Comment: This variant is classified as likely benign based on ACMG/AMP sequence variant interpretation guidelines (Richards et al. 2015 PMID: 25741868, with internal and published modifications).

Labcorp Genetics (formerly Invitae), Labcorp
Classification: Likely benign. Last evaluated: 2024-02-24. Review status: criteria provided, single submitter. Criteria: Invitae Variant Classification Sherloc (09022015). Collection method: clinical testing. Allele origin: germline.

GeneDx
Classification: Uncertain significance. Last evaluated: 2021-08-31. Review status: criteria provided, single submitter. Criteria: GeneDx Variant Classification Process June 2021. Collection method: clinical testing. Allele origin: germline. Affected: yes.
Comment: In silico analysis, which includes splice predictors and evolutionary conservation, supports that this variant does not alter protein structure/function; Has not been previously published as pathogenic or benign to our knowledge

Blueprint Genetics
Classification: Likely benign. Last evaluated: 2021-04-20. Review status: criteria provided, single submitter. Criteria: ACMG Guidelines, 2015. Collection method: clinical testing. Allele origin: germline.

Eurofins Ntd Llc (ga)
Classification: Uncertain significance. Last evaluated: 2015-10-04. Review status: criteria provided, single submitter. Criteria: EGL Classification Definitions 2015. Collection method: clinical testing. Allele origin: germline. Observed: 1 variant allele, 1 heterozygote.

NM_000142.5(FGFR3):c.150C>T (p.Val50=)

Gene: FGFR3 (fibroblast growth factor receptor 3; plus strand). Cytogenetic location: 4p16.3.
Variant type: single nucleotide variant.
Coding change: c.150C>T on transcript NM_000142.5 (MANE Select); coding-DNA position 150, C replaced by T.
Protein change: p.Val50=; no amino-acid change (valine 50 retained).
Molecular consequence: synonymous variant. On other transcripts: non-coding transcript variant (1).
Genome position (GRCh38, 1-based): chr4:1,799,294, C>T. VCF-style: chr4-1799294-C-T. GRCh37 (hg19) VCF-style: chr4-1801021-C-T.
Other names: c.150C>T, p.Val50= (NM_001163213.2, NM_001354809.2, NM_001354810.2 and 1 more transcripts).
Identifiers: ClinVar variation 283366 (VCV000283366.17), dbSNP rs750641928, ClinGen allele CA2809727.